The following is an entry in ClinVar:

NM_018975.4(TERF2IP):c.295T>C (p.Tyr99His)

Gene: TERF2IP (TERF2 interacting protein; plus strand). Cytogenetic location: 16q23.1.
Variant type: single nucleotide variant.
Coding change: c.295T>C on transcript NM_018975.4 (MANE Select); coding-DNA position 295, T replaced by C.
Protein change: p.Tyr99His; replaces tyrosine 99 with histidine.
Molecular consequence: missense variant. On other transcripts: non-coding transcript variant (1).
Genome position (GRCh38, 1-based): chr16:75,648,177, T>C. VCF-style: chr16-75648177-T-C. GRCh37 (hg19) VCF-style: chr16-75682075-T-C.
Other names: short protein forms Y99H.
Identifiers: ClinVar variation 2778379 (VCV002778379.3), dbSNP rs2507073444, ClinGen allele CA396817618.

ClinVar aggregate classification (germline): Uncertain significance (1 of 4 stars; one submission).

Allele frequency attached by ClinVar (database versions not stated): gnomAD exomes below 0.00001.

Submission:

Labcorp Genetics (formerly Invitae), Labcorp
Classification: Uncertain significance. Last evaluated: 2024-01-26. Review status: criteria provided, single submitter. Criteria: Invitae Variant Classification Sherloc (09022015). Collection method: clinical testing. Allele origin: germline.
Comment: This sequence change replaces tyrosine, which is neutral and polar, with histidine, which is basic and polar, at codon 99 of the TERF2IP protein (p.Tyr99His). This variant is not present in population databases (gnomAD no frequency). This variant has not been reported in the literature in individuals affected with TERF2IP-related conditions. An algorithm developed to predict the effect of missense changes on protein structure and function (PolyPhen-2) suggests that this variant is likely to be tolerated. In summary, the available evidence is currently insufficient to determine the role of this variant in disease. Therefore, it has been classified as a Variant of Uncertain Significance.